The following is an entry in ClinVar:

NM_014633.5(CTR9):c.554A>T (p.Tyr185Phe)

Gene: CTR9 (CTR9 component of Paf1/RNA polymerase II complex; plus strand). Cytogenetic location: 11p15.4.
Variant type: single nucleotide variant.
Coding change: c.554A>T on transcript NM_014633.5 (MANE Select); coding-DNA position 554, A replaced by T.
Protein change: p.Tyr185Phe; replaces tyrosine 185 with phenylalanine.
Molecular consequence: missense variant.
Genome position (GRCh38, 1-based): chr11:10,756,800, A>T. VCF-style: chr11-10756800-A-T. GRCh37 (hg19) VCF-style: chr11-10778347-A-T.
Other names: c.554A>T, p.Tyr185Phe (NM_001346279.2); short protein forms Y185F.
Identifiers: ClinVar variation 2795313 (VCV002795313.3), dbSNP rs2539372103, ClinGen allele CA379661350.

ClinVar aggregate classification (germline): Uncertain significance (1 of 4 stars; one submission).

Submission:

Labcorp Genetics (formerly Invitae), Labcorp
Classification: Uncertain significance. Last evaluated: 2023-08-28. Review status: criteria provided, single submitter. Criteria: Invitae Variant Classification Sherloc (09022015). Collection method: clinical testing. Allele origin: germline.
Comment: This variant has not been reported in the literature in individuals affected with CTR9-related conditions. In summary, the available evidence is currently insufficient to determine the role of this variant in disease. Therefore, it has been classified as a Variant of Uncertain Significance. An algorithm developed to predict the effect of missense changes on protein structure and function (PolyPhen-2) suggests that this variant is likely to be tolerated. This variant is not present in population databases (gnomAD no frequency). This sequence change replaces tyrosine, which is neutral and polar, with phenylalanine, which is neutral and non-polar, at codon 185 of the CTR9 protein (p.Tyr185Phe).